The following is an entry in ClinVar:

ClinVar aggregate classification (germline): Uncertain significance (1 of 4 stars; one submission).

Conditions:
Hereditary cancer-predisposing syndrome. Also called: Neoplastic Syndromes, Hereditary; Tumor predisposition; Hereditary neoplastic syndrome; Hereditary Cancer Syndrome. Identifiers: Orphanet 140162, MedGen C0027672, MeSH D009386, MONDO:0015356.

gnomAD v4.1: 1 of 1,614,126 alleles (0.000062%); highest among the groups gnomAD compares: Admixed American, 0.0017%; no homozygotes.

Submission:

Ambry Genetics
Classification: Uncertain significance for Hereditary cancer-predisposing syndrome. Last evaluated: 2026-07-20. Review status: criteria provided, single submitter. Criteria: Ambry Variant Classification Scheme 2023. Collection method: clinical testing. Allele origin: germline.
Comment: The p.Q688H variant (also known as c.2064G>C), located in coding exon 14 of the PTCH1 gene, results from a G to C substitution at nucleotide position 2064. The glutamine at codon 688 is replaced by histidine, an amino acid with highly similar properties. This amino acid position is conserved. In addition, the in silico prediction for this alteration is inconclusive. Based on the available evidence, the clinical significance of this variant remains unclear.

NM_000264.5(PTCH1):c.2064G>C (p.Gln688His)

Genes: PTCH1 (patched 1; minus strand), LOC100507346 (uncharacterized LOC100507346; plus strand). Cytogenetic location: 9q22.32.
Variant type: single nucleotide variant.
Coding change: c.2064G>C on transcript NM_000264.5 (MANE Select); coding-DNA position 2064, G replaced by C.
Protein change: p.Gln688His; replaces glutamine 688 with histidine.
Molecular consequence: missense variant. On other transcripts: non-coding transcript variant (2).
Genome position (GRCh38, 1-based): chr9:95,468,937, C>G on the plus strand (G>C on the coding strand, the complement: PTCH1 is on the minus strand). VCF-style: chr9-95468937-C-G. GRCh37 (hg19) VCF-style: chr9-98231219-C-G.
Other names: c.1611G>C, p.Gln537His (NM_001083607.3, NM_001083604.3, NM_001083605.3 and 1 more transcripts); c.1908G>C, p.Gln636His (NM_001354918.2); c.1866G>C, p.Gln622His (NM_001083602.3); c.2061G>C, p.Gln687His (NM_001083603.3); short protein forms Q537H, Q688H, Q636H, Q687H, Q622H.
Identifiers: ClinVar variation 5027524 (VCV005027524.1).
Genomic context (GRCh38, chr9:95,468,937, plus strand): 5'-TGTGGAGCTGGTGCTCTCTGGGCTCTGGCAGCTGAGGGTGTCCTGTGTCACGGTGACGGG[C>G]TGCACAGAGATCTCGGAGCGCGGCTCAGCGGTGGTGTAGTACACGTGCGTGTGGGGGTCG-3'
Protein context (NP_000255.2, residues 678-698): TAEPRSEISV[Gln688His]PVTVTQDTLS